The following is an entry in ClinVar:

ClinVar aggregate classification (germline): Pathogenic (1 of 4 stars; one submission).

Conditions:
Neurofibromatosis, type 2 (SWNV). Also called: SCHWANNOMATOSIS, VESTIBULAR; BILATERAL ACOUSTIC NEUROFIBROMATOSIS; NF2-Related Schwannomatosis. Identifiers: Orphanet 637, MedGen C0027832, MONDO:0007039, OMIM 101000. Disease mechanism: loss of function.

Submission:

Labcorp Genetics (formerly Invitae), Labcorp
Classification: Pathogenic for Neurofibromatosis, type 2. Last evaluated: 2023-11-17. Review status: criteria provided, single submitter. Criteria: Invitae Variant Classification Sherloc (09022015). Collection method: clinical testing. Allele origin: unknown.
Comment: This variant is a gross deletion of the genomic region encompassing exon(s) 1-15 of the NF2 gene, which includes the initiator codon. This deletion extends beyond the assayed region for this gene and therefore may encompass additional genes. It is expected to result in an absent or disrupted protein product. Loss-of-function variants in NF2 are known to be pathogenic (PMID: 9643284, 16983642). A similar copy number variant has been observed in individual(s) with NF2-related disease (PMID: 10691417). For these reasons, this variant has been classified as Pathogenic.

Literature cited by the submitters: PubMed 9643284; PubMed 16983642; PubMed 10691417.

NC_000022.10:g.(?_29999988)_(30077600_?)del

Gene: NF2 (NF2, moesin-ezrin-radixin like (MERLIN) tumor suppressor; plus strand). Cytogenetic location: 22q12.2.
Variant type: Deletion.
Identifiers: ClinVar variation 3247138 (VCV003247138.1).